The following is an entry in ClinVar:

ClinVar aggregate classification (germline): Uncertain significance (1 of 4 stars; one submission).

Conditions:
Primary dilated cardiomyopathy (DCM). Also called: Dilated Cardiomyopathy. Identifiers: Orphanet 217604, MedGen C0007193, MeSH D002311, MONDO:0005021, HP:0001644. Inheritance: Various modes of inheritance.

Submission:

Victorian Clinical Genetics Services, Murdoch Childrens Research Institute
Classification: Uncertain significance for Primary dilated cardiomyopathy. Last evaluated: 2024-10-10. Review status: criteria provided, single submitter. Criteria: ACMG Guidelines, 2015. Collection method: clinical testing. Allele origin: germline. Inheritance: Autosomal dominant inheritance. Affected: no.
Comment: Based on the classification scheme VCGS_Germline_v1.3.5, this variant is classified as VUS-3A. Following criteria are met: 0103 - Loss of function and gain of function are known mechanisms of disease in this gene. Loss of function is the established mechanism of disease for variants in dilated cardiomyopathy (PMID: 32112656), familial hypertrophic cardiomyopathy 26 (MIM#617047), familial restrictive cardiomyopathy 5 (MIM#617047), familial arrhythmogenic right ventricular dysplasia (MIM#617047), and myofibrillar myopathy 5 (MIM#609524). In distal myopathy 4 (MIM#614065), NMD-predicted variants cause a loss of function, however missense variants have been shown to result in a toxic gain of function (PMID: 32112656). (I) 0107 - This gene is associated with autosomal dominant disease. Variants located throughout the gene that are predicted to result in nonsense-mediated decay (NMD) are enriched in dilated cardiomyopathy, whereas missense variants in the ROD2 domain are enriched in familial hypertrophic cardiomyopathy 26 and familial restrictive cardiomyopathy 5 (MIM#617047). Additionally, myofibrillar myopathy 5 (MIM#609524) is known to result from either missense variants in the ROD2 domain or truncating variants in the Ig-like domain 24, while missense variants in the actin-binding domain and NMD-predicted variants located in the Ig-like domain 15 and have been reported for distal myopathy 4 (MIM#614065) (PMID: 32112656). (I) 0115 - Variants in this gene are known to have variable expressivity in relation to arrhythmogenic right ventricular cardiomyopathy (PMID: 31627847). (I) 0202 - Variant is predicted to cause nonsense-mediated decay (NMD) and loss of protein (premature termination codon is located at least 54 nucleotides upstream of the final exon-exon junction), but is located in an exon that may undergo alternative splicing. (SP) 0219 - This variant is non-coding in an alternative transcript. This variant is located in exon 31 which is non-coding in the shorter transcript NM_001127487.2. The longer transcript (NM_001458.4) has been demonstrated to have greater expression in cardiomyopathy patients when compared to healthy controls, while the shorter transcript has greater expression in skeletal and cardiac muscle under normal conditions (PMID: 20124440). Whether this change in expression is disease causing or occurs as a result of disease onset is unknown. (I) 0251 - This variant is heterozygous. (I) 0301 - Variant is absent from gnomAD (v2, v3 and v4). (SP) 0704 - Another NMD-predicted variant comparable to the one identified in this case has limited previous evidence for pathogenicity. p.(Arg1762Profs*21) has been reported once as likely pathogenic (ClinVar). This variant is also located in exon 31 exclusive to the longer transcript (NM_001458.4). (SP) 0807 - This variant has no previous evidence of pathogenicity. (I) 0905 - No published segregation evidence has been identified for this variant. (I) 1007 - No published functional evidence has been identified for this variant. (I) Legend: (SP) - Supporting pathogenic, (I) - Information, (SB) - Supporting benign

Literature cited by the submitters: PubMed 20124440; PubMed 31627847; PubMed 32112656.

NM_001458.5(FLNC):c.5298G>A (p.Trp1766Ter)

Gene: FLNC (filamin C; plus strand). Cytogenetic location: 7q32.1.
Variant type: single nucleotide variant.
Coding change: c.5298G>A on transcript NM_001458.5 (MANE Select); coding-DNA position 5298, G replaced by A.
Protein change: p.Trp1766Ter; replaces tryptophan 1766 with a stop codon.
Molecular consequence: nonsense. On other transcripts: intron variant (1).
Genome position (GRCh38, 1-based): chr7:128,850,074, G>A. VCF-style: chr7-128850074-G-A. GRCh37 (hg19) VCF-style: chr7-128490128-G-A.
Other names: c.5200-310G>A (NM_001127487.2); short protein forms W1766*.
Identifiers: ClinVar variation 3377164 (VCV003377164.1).